The following is an entry in ClinVar:

NM_001379500.1(COL18A1):c.3889G>C (p.Glu1297Gln)

Genes: COL18A1 (collagen type XVIII alpha 1 chain; plus strand), SLC19A1 (solute carrier family 19 member 1; minus strand). Cytogenetic location: 21q22.3.
Variant type: single nucleotide variant.
Coding change: c.3889G>C on transcript NM_001379500.1 (MANE Select); coding-DNA position 3889, G replaced by C.
Protein change: p.Glu1297Gln; replaces glutamic acid 1297 with glutamine.
Molecular consequence: missense variant.
Genome position (GRCh38, 1-based): chr21:45,512,267, G>C. VCF-style: chr21-45512267-G-C. GRCh37 (hg19) VCF-style: chr21-46932181-G-C.
Other names: c.4420G>C, p.Glu1474Gln (NM_030582.4); c.5125G>C, p.Glu1709Gln (NM_130444.3); short protein forms E1709Q, E1297Q, E1474Q.
Identifiers: ClinVar variation 1495159 (VCV001495159.4), dbSNP rs771981397, ClinGen allele CA10068125.

ClinVar aggregate classification (germline): Uncertain significance (1 of 4 stars; one submission).

Allele frequency attached by ClinVar (database versions not stated): ExAC 0.00002; gnomAD 0.00002; gnomAD exomes 0.00002.
gnomAD v4.1: 37 of 1,611,868 alleles (0.0023%); highest among the groups gnomAD compares: Non-Finnish European, 0.0031%; no homozygotes.

Submission:

Labcorp Genetics (formerly Invitae), Labcorp
Classification: Uncertain significance. Last evaluated: 2024-10-21. Review status: criteria provided, single submitter. Criteria: Invitae Variant Classification Sherloc (09022015). Collection method: clinical testing. Allele origin: germline.
Comment: This sequence change replaces glutamic acid, which is acidic and polar, with glutamine, which is neutral and polar, at codon 1294 of the COL18A1 protein (p.Glu1294Gln). This variant is present in population databases (rs771981397, gnomAD 0.005%). This variant has not been reported in the literature in individuals affected with COL18A1-related conditions. ClinVar contains an entry for this variant (Variation ID: 1495159). Experimental studies and prediction algorithms are not available or were not evaluated, and the functional significance of this variant is currently unknown. In summary, the available evidence is currently insufficient to determine the role of this variant in disease. Therefore, it has been classified as a Variant of Uncertain Significance.